The following is an entry in ClinVar:

ClinVar aggregate classification (germline): Benign (1 of 4 stars; one submission).

Conditions:
Polyps, multiple and recurrent inflammatory fibroid, gastrointestinal. Identifiers: MedGen C5193005, MONDO:0008285, OMIM 175510.

Submission:

Myriad Genetics, Inc.
Classification: Benign for Polyps, multiple and recurrent inflammatory fibroid, gastrointestinal. Last evaluated: 2026-06-17. Review status: criteria provided, single submitter. Criteria: Myriad Autosomal Dominant, Autosomal Recessive and X-Linked Classification Criteria (2023). Collection method: clinical testing. Allele origin: unknown.
Comment: This variant is considered benign. This variant is a silent/synonymous amino acid change and it is not expected to impact splicing.

NM_006206.6(PDGFRA):c.1701_1704delinsGGAC (p.Pro567_Asp568=)

Gene: PDGFRA (platelet derived growth factor receptor alpha; plus strand). Cytogenetic location: 4q12.
Variant type: Indel.
Coding change: c.1701_1704delinsGGAC on transcript NM_006206.6 (MANE Select); coding-DNA positions 1701 to 1704, AGAT replaced by GGAC.
Protein change: p.Pro567_Asp568=.
Molecular consequence: synonymous variant.
Genome position (GRCh38, 1-based): chr4:54,274,888-54,274,891, AGAT replaced by GGAC. VCF-style: chr4-54274888-AGAT-GGAC. GRCh37 (hg19) VCF-style: chr4-55141055-AGAT-GGAC.
Other names: c.1701_1704delinsGGAC, p.Pro567_Asp568= (NM_001347827.2, NM_001347829.2); c.1776_1779delinsGGAC, p.Pro592_Asp593= (NM_001347828.2); c.1740_1743delinsGGAC, p.Pro580_Asp581= (NM_001347830.2).
Identifiers: ClinVar variation 4875911 (VCV004875911.1).
Genomic context (GRCh38, chr4:54,274,888, plus strand): 5'-TGGTCATTTATAGAAACCGAGGTATGAAATTCGCTGGAGGGTCATTGAATCAATCAGCCC[AGAT>GGAC]GGACATGAATATATTTATGTGGACCCGATGCAGCTGCCTTATGACTCAAGATGGGAGTTT-3'